The following is an entry in ClinVar:

ClinVar aggregate classification (germline): Uncertain significance (1 of 4 stars; one submission).

Conditions:
Specific granule deficiency. Identifiers: Orphanet 169142, MedGen C0398593, MONDO:0009506.

Allele frequency attached by ClinVar (database versions not stated): gnomAD exomes below 0.00001; gnomAD 0.00001; TOPMed 0.00002.
gnomAD v4.1: 8 of 1,607,852 alleles (0.0005%); highest among the groups gnomAD compares: Non-Finnish European, 0.00051%; no homozygotes.

Submission:

Labcorp Genetics (formerly Invitae), Labcorp
Classification: Uncertain significance for Specific granule deficiency. Last evaluated: 2022-08-15. Review status: criteria provided, single submitter. Criteria: Invitae Variant Classification Sherloc (09022015). Collection method: clinical testing. Allele origin: germline.
Comment: This sequence change replaces cysteine, which is neutral and slightly polar, with glycine, which is neutral and non-polar, at codon 9 of the CEBPE protein (p.Cys9Gly). This variant is present in population databases (no rsID available, gnomAD 0.0009%). This variant has not been reported in the literature in individuals affected with CEBPE-related conditions. ClinVar contains an entry for this variant (Variation ID: 963340). Algorithms developed to predict the effect of missense changes on protein structure and function are either unavailable or do not agree on the potential impact of this missense change (SIFT: "Tolerated"; PolyPhen-2: "Probably Damaging"; Align-GVGD: "Class C0"). Algorithms developed to predict the effect of sequence changes on RNA splicing suggest that this variant may create or strengthen a splice site. In summary, the available evidence is currently insufficient to determine the role of this variant in disease. Therefore, it has been classified as a Variant of Uncertain Significance.

NM_001805.4(CEBPE):c.25T>G (p.Cys9Gly)

Gene: CEBPE (CCAAT enhancer binding protein epsilon; minus strand). Cytogenetic location: 14q11.2.
Variant type: single nucleotide variant.
Coding change: c.25T>G on transcript NM_001805.4 (MANE Select); coding-DNA position 25, T replaced by G.
Protein change: p.Cys9Gly; replaces cysteine 9 with glycine.
Molecular consequence: missense variant.
Genome position (GRCh38, 1-based): chr14:23,119,067, A>C on the plus strand (T>G on the coding strand, the complement: CEBPE is on the minus strand). VCF-style: chr14-23119067-A-C. GRCh37 (hg19) VCF-style: chr14-23588276-A-C.
Other names: short protein forms C9G.
Identifiers: ClinVar variation 963340 (VCV000963340.10), dbSNP rs942911403, ClinGen allele CA257745614.